The following is an entry in ClinVar:

ClinVar aggregate classification (germline): Uncertain significance (1 of 4 stars; one submission).

Submission:

Labcorp Genetics (formerly Invitae), Labcorp
Classification: Uncertain significance. Last evaluated: 2024-04-25. Review status: criteria provided, single submitter. Criteria: Invitae Variant Classification Sherloc (09022015). Collection method: clinical testing. Allele origin: germline.
Comment: This sequence change replaces alanine, which is neutral and non-polar, with valine, which is neutral and non-polar, at codon 203 of the TCF3 protein (p.Ala203Val). This variant is present in population databases (no rsID available, gnomAD no frequency). This variant has not been reported in the literature in individuals affected with TCF3-related conditions. Advanced modeling of protein sequence and biophysical properties (such as structural, functional, and spatial information, amino acid conservation, physicochemical variation, residue mobility, and thermodynamic stability) performed at Invitae indicates that this missense variant is not expected to disrupt TCF3 protein function with a negative predictive value of 80%. In summary, the available evidence is currently insufficient to determine the role of this variant in disease. Therefore, it has been classified as a Variant of Uncertain Significance.

NM_003200.5(TCF3):c.608C>T (p.Ala203Val)

Gene: TCF3 (transcription factor 3; minus strand). Cytogenetic location: 19p13.3.
Variant type: single nucleotide variant.
Coding change: c.608C>T on transcript NM_003200.5 (MANE Select); coding-DNA position 608, C replaced by T.
Protein change: p.Ala203Val; replaces alanine 203 with valine.
Molecular consequence: missense variant.
Genome position (GRCh38, 1-based): chr19:1,622,357, G>A on the plus strand (C>T on the coding strand, the complement: TCF3 is on the minus strand). VCF-style: chr19-1622357-G-A. GRCh37 (hg19) VCF-style: chr19-1622356-G-A.
Other names: c.608C>T, p.Ala203Val (NM_001136139.4, NM_001351778.2, NM_001351779.2); short protein forms A203V.
Identifiers: ClinVar variation 3607196 (VCV003607196.2).